The following is an entry in ClinVar:

NM_033380.3(COL4A5):c.2807C>G (p.Pro936Arg)

Gene: COL4A5 (collagen type IV alpha 5 chain; plus strand). Cytogenetic location: Xq22.3.
Variant type: single nucleotide variant.
Coding change: c.2807C>G on transcript NM_033380.3 (MANE Select); coding-DNA position 2807, C replaced by G.
Protein change: p.Pro936Arg; replaces proline 936 with arginine.
Molecular consequence: missense variant.
Genome position (GRCh38, 1-based): chrX:108,622,715, C>G. VCF-style: chrX-108622715-C-G. GRCh37 (hg19) VCF-style: chrX-107865945-C-G.
Other names: c.2807C>G, p.Pro936Arg (NM_000495.5); short protein forms P936R.
Identifiers: ClinVar variation 2112698 (VCV002112698.1), dbSNP rs2067080354, ClinGen allele CA413852659.

ClinVar aggregate classification (germline): Uncertain significance (1 of 4 stars; one submission).

Submission:

Labcorp Genetics (formerly Invitae), Labcorp
Classification: Uncertain significance. Last evaluated: 2022-03-18. Review status: criteria provided, single submitter. Criteria: Invitae Variant Classification Sherloc (09022015). Collection method: clinical testing. Allele origin: germline.
Comment: This sequence change replaces proline, which is neutral and non-polar, with arginine, which is basic and polar, at codon 936 of the COL4A5 protein (p.Pro936Arg). This variant is not present in population databases (gnomAD no frequency). This variant has not been reported in the literature in individuals affected with COL4A5-related conditions. Advanced modeling of protein sequence and biophysical properties (such as structural, functional, and spatial information, amino acid conservation, physicochemical variation, residue mobility, and thermodynamic stability) performed at Invitae indicates that this missense variant is not expected to disrupt COL4A5 protein function. In summary, the available evidence is currently insufficient to determine the role of this variant in disease. Therefore, it has been classified as a Variant of Uncertain Significance.